The following is an entry in ClinVar:

ClinVar aggregate classification (germline): Uncertain significance (1 of 4 stars; one submission).

Allele frequency attached by ClinVar (database versions not stated): gnomAD exomes below 0.00001; ExAC 0.00001; gnomAD 0.00001; TOPMed 0.00001.
gnomAD v4.1: 3 of 1,604,648 alleles (0.00019%); highest among the groups gnomAD compares: African/African-American, 0.004%; no homozygotes.

Submission:

Labcorp Genetics (formerly Invitae), Labcorp
Classification: Uncertain significance. Last evaluated: 2025-02-03. Review status: criteria provided, single submitter. Criteria: Invitae Variant Classification Sherloc (09022015). Collection method: clinical testing. Allele origin: germline.
Comment: This sequence change replaces serine, which is neutral and polar, with glycine, which is neutral and non-polar, at codon 2564 of the HMCN1 protein (p.Ser2564Gly). This variant is present in population databases (rs770242757, gnomAD 0.008%). This variant has not been reported in the literature in individuals affected with HMCN1-related conditions. ClinVar contains an entry for this variant (Variation ID: 2068705). An algorithm developed to predict the effect of missense changes on protein structure and function (PolyPhen-2) suggests that this variant is likely to be disruptive. In summary, the available evidence is currently insufficient to determine the role of this variant in disease. Therefore, it has been classified as a Variant of Uncertain Significance.

NM_031935.3(HMCN1):c.7690A>G (p.Ser2564Gly)

Gene: HMCN1 (hemicentin 1; plus strand). Cytogenetic location: 1q31.1.
Variant type: single nucleotide variant.
Coding change: c.7690A>G on transcript NM_031935.3 (MANE Select); coding-DNA position 7690, A replaced by G.
Protein change: p.Ser2564Gly; replaces serine 2564 with glycine.
Molecular consequence: missense variant.
Genome position (GRCh38, 1-based): chr1:186,065,414, A>G. VCF-style: chr1-186065414-A-G. GRCh37 (hg19) VCF-style: chr1-186034546-A-G.
Other names: short protein forms S2564G.
Identifiers: ClinVar variation 2068705 (VCV002068705.4), dbSNP rs770242757, ClinGen allele CA1292909.